The following is an entry in ClinVar:

NM_058004.4(PI4KA):c.3G>A (p.Met1Ile)

Gene: PI4KA (phosphatidylinositol 4-kinase alpha; minus strand). Cytogenetic location: 22q11.21.
Variant type: single nucleotide variant.
Coding change: c.3G>A on transcript NM_058004.4 (MANE Select); coding-DNA position 3, G replaced by A.
Protein change: p.Met1Ile; changes the start codon (methionine 1).
Molecular consequence: missense variant, initiator codon variant.
Genome position (GRCh38, 1-based): chr22:20,858,723, C>T on the plus strand (G>A on the coding strand, the complement: PI4KA is on the minus strand). VCF-style: chr22-20858723-C-T. GRCh37 (hg19) VCF-style: chr22-21213011-C-T.
Other names: c.3G>A, p.Met1Ile (NM_001362862.2, NM_001362863.2); short protein forms M1I.
Identifiers: ClinVar variation 3896941 (VCV003896941.2).

ClinVar aggregate classification (germline): Uncertain significance. Review status: criteria provided, multiple submitters, no conflicts (2 of 4 stars). 2 submissions from 2 submitters: Uncertain significance (2). Last evaluated 2024-02-17.

Conditions:
Spastic paraplegia 84, autosomal recessive (SPG84). Identifiers: Orphanet 631079, MedGen C5562025, MONDO:0030482, OMIM 619621.
Polymicrogyria, perisylvian, with cerebellar hypoplasia and arthrogryposis (NEDSPLB). Identifiers: MedGen C4225295, MONDO:0014679, OMIM 616531.

Submissions (2):

Kariminejad - Najmabadi Pathology & Genetics Center
Classification: Uncertain significance for Spastic paraplegia 84, autosomal recessive; Polymicrogyria, perisylvian, with cerebellar hypoplasia and arthrogryposis. Last evaluated: 2024-02-17. Review status: criteria provided, single submitter. Criteria: ACMG Guidelines, 2015. Collection method: clinical testing. Allele origin: germline. Inheritance: Autosomal recessive inheritance. Affected: yes.
Comment: PVS1_Moderate, PM2

Genetic Foundation of Khorasan Razavi (GFKR)
Classification: Uncertain significance for Spastic paraplegia 84, autosomal recessive. Last evaluated: 2023-12-12. Review status: criteria provided, single submitter. Criteria: ACMG Guidelines, 2015. Collection method: clinical testing. Allele origin: inherited. Affected: yes. Observed: 1 homozygote.
Comment: PVS1-Supporting, PM2. This variant has also been submitted to ClinVar as Uncertain significance(VCV003896941.1)